The following is an entry in ClinVar:

NM_001271.4(CHD2):c.2344A>G (p.Ile782Val)

Gene: CHD2 (chromodomain helicase DNA binding protein 2; plus strand). Cytogenetic location: 15q26.1.
Variant type: single nucleotide variant.
Coding change: c.2344A>G on transcript NM_001271.4 (MANE Select); coding-DNA position 2344, A replaced by G.
Protein change: p.Ile782Val; replaces isoleucine 782 with valine.
Molecular consequence: missense variant.
Genome position (GRCh38, 1-based): chr15:92,971,919, A>G. VCF-style: chr15-92971919-A-G. GRCh37 (hg19) VCF-style: chr15-93515149-A-G.
Other names: short protein forms I782V.
Identifiers: ClinVar variation 4873470 (VCV004873470.2).

ClinVar aggregate classification (germline): Uncertain significance (1 of 4 stars; one submission).

gnomAD v4.1: 1 of 1,609,572 alleles (0.000062%); no homozygotes.

Submission:

CeGaT Center for Human Genetics Tuebingen
Classification: Uncertain significance. Last evaluated: 2026-05-01. Review status: criteria provided, single submitter. Criteria: CeGaT Center For Human Genetics Tuebingen Variant Classification Criteria Version 2. Collection method: clinical testing. Allele origin: germline. Affected: yes. Observed: 1 variant allele.
Comment: CHD2: PP2, BP4